The following is an entry in ClinVar:

ClinVar aggregate classification (germline): Uncertain significance (1 of 4 stars; one submission).

Conditions:
Primary familial hypertrophic cardiomyopathy (HCM). Identifiers: Orphanet 99739, MedGen C0949658, MeSH D024741, MONDO:0024573. Inheritance: Various modes of inheritance.
Dilated cardiomyopathy 1AA (CMD1AA). Also called: Cardiomyopathy, dilated, 1AA, with or without LVNC; CARDIOMYOPATHY, DILATED, 1AA, WITH OR WITHOUT LEFT VENTRICULAR NONCOMPACTION; CARDIOMYOPATHY, FAMILIAL HYPERTROPHIC, 23, WITH OR WITHOUT LEFT VENTRICULAR NONCOMPACTION. Identifiers: Orphanet 154, MedGen C2677338, MONDO:0012808, OMIM 612158.

Submission:

Labcorp Genetics (formerly Invitae), Labcorp
Classification: Uncertain significance for Primary familial hypertrophic cardiomyopathy; Dilated cardiomyopathy 1AA. Last evaluated: 2018-06-19. Review status: criteria provided, single submitter. Criteria: Invitae Variant Classification Sherloc (09022015). Collection method: clinical testing. Allele origin: germline.
Comment: This variant has not been reported in the literature in individuals with ACTN2-related disease. This sequence change replaces alanine with valine at codon 823 of the ACTN2 protein (p.Ala823Val). The alanine residue is highly conserved and there is a small physicochemical difference between alanine and valine. This variant is not present in population databases (ExAC no frequency). Algorithms developed to predict the effect of missense changes on protein structure and function (SIFT, PolyPhen-2, Align-GVGD) all suggest that this variant is likely to be disruptive, but these predictions have not been confirmed by published functional studies and their clinical significance is uncertain. In summary, the available evidence is currently insufficient to determine the role of this variant in disease. Therefore, it has been classified as a Variant of Uncertain Significance.

NM_001103.4(ACTN2):c.2468C>T (p.Ala823Val)

Gene: ACTN2 (actinin alpha 2; plus strand). Cytogenetic location: 1q43.
Variant type: single nucleotide variant.
Coding change: c.2468C>T on transcript NM_001103.4 (MANE Select); coding-DNA position 2468, C replaced by T.
Protein change: p.Ala823Val; replaces alanine 823 with valine.
Molecular consequence: missense variant.
Genome position (GRCh38, 1-based): chr1:236,761,115, C>T. VCF-style: chr1-236761115-C-T. GRCh37 (hg19) VCF-style: chr1-236924415-C-T.
Other names: c.2468C>T, p.Ala823Val (NM_001278343.2); c.1844C>T, p.Ala615Val (NM_001278344.2); short protein forms A615V, A823V.
Identifiers: ClinVar variation 1056033 (VCV001056033.9), dbSNP rs12072499, ClinGen allele CA39746633.